The following is an entry in ClinVar:

ClinVar aggregate classification (germline): Uncertain significance. Review status: criteria provided, multiple submitters, no conflicts (2 of 4 stars). 2 submissions from 2 submitters: Uncertain significance (2). Last evaluated 2023-11-06.

Conditions:
Inborn genetic diseases. Identifiers: MedGen C0950123, MeSH D030342.

Allele frequency attached by ClinVar (database versions not stated): TOPMed below 0.00001; gnomAD 0.00001.
gnomAD v4.1: 2 of 1,614,108 alleles (0.00012%); highest among the groups gnomAD compares: African/African-American, 0.0027%; no homozygotes.

Submissions (2):

GeneDx
Classification: Uncertain significance. Last evaluated: 2023-11-06. Review status: criteria provided, single submitter. Criteria: GeneDx Variant Classification Process June 2021. Collection method: clinical testing. Allele origin: germline. Affected: yes.
Comment: Not observed at significant frequency in large population cohorts (gnomAD); In silico analysis supports that this missense variant has a deleterious effect on protein structure/function; Has not been previously published as pathogenic or benign to our knowledge

Ambry Genetics
Classification: Uncertain significance for Inborn genetic diseases. Last evaluated: 2021-05-01. Review status: criteria provided, single submitter. Criteria: Ambry Variant Classification Scheme 2023. Collection method: clinical testing. Allele origin: germline.

NM_016604.4(KDM3B):c.3629C>T (p.Pro1210Leu)

Gene: KDM3B (lysine demethylase 3B; plus strand). Cytogenetic location: 5q31.2.
Variant type: single nucleotide variant.
Coding change: c.3629C>T on transcript NM_016604.4 (MANE Select); coding-DNA position 3629, C replaced by T.
Protein change: p.Pro1210Leu; replaces proline 1210 with leucine.
Molecular consequence: missense variant.
Genome position (GRCh38, 1-based): chr5:138,419,146, C>T. VCF-style: chr5-138419146-C-T. GRCh37 (hg19) VCF-style: chr5-137754835-C-T.
Other names: short protein forms P1210L.
Identifiers: ClinVar variation 2230413 (VCV002230413.3), dbSNP rs1423094324, ClinGen allele CA361088127.
Genomic context (GRCh38, chr5:138,419,146, plus strand): 5'-AGCCTCTGAAAACAGACAGTTCGGCATCAAATAGCAATAGTGAACTGAAAGCCATCAGGC[C>T]TCCTTGCCCTGACACGGCCCCACCCTCCTCCGCCCTGCACTGGTTGGCAGATTTAGCAAC-3'
Protein context (NP_057688.3, residues 1200-1220): NSNSELKAIR[Pro1210Leu]PCPDTAPPSS